The following is an entry in ClinVar:

NM_003072.5(SMARCA4):c.3542A>G (p.His1181Arg)

Gene: SMARCA4 (SWI/SNF related BAF chromatin remodeling complex subunit ATPase 4; plus strand). Cytogenetic location: 19p13.2.
Variant type: single nucleotide variant.
Coding change: c.3542A>G on transcript NM_003072.5 (MANE Select); coding-DNA position 3542, A replaced by G.
Protein change: p.His1181Arg; replaces histidine 1181 with arginine.
Molecular consequence: missense variant. On other transcripts: non-coding transcript variant (1).
Genome position (GRCh38, 1-based): chr19:11,030,889, A>G. VCF-style: chr19-11030889-A-G. GRCh37 (hg19) VCF-style: chr19-11141565-A-G.
Other names: c.3542A>G, p.His1181Arg (NM_001411150.1, NM_001128844.3, NM_001128845.2 and 6 more transcripts); short protein forms H1181R.
Identifiers: ClinVar variation 4530266 (VCV004530266.1).

ClinVar aggregate classification (somatic clinical impact): Tier I - Strong (1 of 4 stars; one submission).

Conditions:
Medulloblastoma non-WNT/non-SHH group 4. Identifiers: MedGen C4330666, MONDO:0956967.

Submission:

Institute for Genomic Medicine (IGM) Clinical Laboratory, Nationwide Children's Hospital
Classification: Tier I - Strong for Medulloblastoma non-WNT/non-SHH group 4. Assertion type: diagnostic. Clinical significance: supports diagnosis. Last evaluated: 2022-10-19. Review status: criteria provided, single submitter. Criteria: AMP/ASCO/CAP Guidelines, 2017. Collection method: clinical testing. Allele origin: somatic. Affected: yes.
Comment: Variant has Tier I (strong) clinical significance as a diagnostic inclusion criterion in medulloblastoma non-WNT/non-SHH group 4, based on the following evidence: 1) Documented in one or more cancer databases (e.g., St. Jude Pecan, COSMIC, CIViC, OncoKB). 2) Appears in one or more well-established professional guidelines (e.g., World Health Organization [WHO]; National Comprehensive Cancer Network [NCCN]) as providing diagnostic, prognostic, or therapeutic information. 3) Diagnostic for a specific tumor type/classification based on well-powered studies with expert-level consensus (Evidence Level B; PMIDs: 28726821, 31799776).

Literature cited by the submitters: PubMed 28726821; PubMed 31799776.